The following is an entry in ClinVar:

ClinVar aggregate classification (germline): Uncertain significance (1 of 4 stars; one submission).

Conditions:
SETD1A-related disorder. Also called: SETD1A-related condition.

Submission:

PreventionGenetics, part of Exact Sciences
Classification: Uncertain significance for SETD1A-related condition. Last evaluated: 2025-03-09. Review status: criteria provided, single submitter. Criteria: ACMG Guidelines, 2015. Collection method: clinical testing. Allele origin: germline.
Comment: The SETD1A c.4658T>C variant is predicted to result in the amino acid substitution p.Met1553Thr. To our knowledge, this variant has not been reported in the literature or in a large population database (gnomAD), indicating this variant is rare. At this time, the clinical significance of this variant is uncertain due to the absence of conclusive functional and genetic evidence.

NM_014712.3(SETD1A):c.4658T>C (p.Met1553Thr)

Gene: SETD1A (SET domain containing 1A, histone lysine methyltransferase; plus strand). Cytogenetic location: 16p11.2.
Variant type: single nucleotide variant.
Coding change: c.4658T>C on transcript NM_014712.3 (MANE Select); coding-DNA position 4658, T replaced by C.
Protein change: p.Met1553Thr; replaces methionine 1553 with threonine.
Molecular consequence: missense variant.
Genome position (GRCh38, 1-based): chr16:30,980,815, T>C. VCF-style: chr16-30980815-T-C. GRCh37 (hg19) VCF-style: chr16-30992136-T-C.
Other names: short protein forms M1553T.
Identifiers: ClinVar variation 4979421 (VCV004979421.1).